The following is an entry in ClinVar:

ClinVar aggregate classification (germline): Likely benign (1 of 4 stars; one submission).

Conditions:
Hereditary breast ovarian cancer syndrome. Also called: BRCA1- and BRCA2-Associated Hereditary Breast and Ovarian Cancer; Hereditary breast and ovarian cancer syndrome (HBOC); Hereditary breast and ovarian cancer syndrome; Breast and ovarian cancer; Hereditary breast and ovarian cancer; Hereditary breast and/or ovarian cancer syndrome. Identifiers: Orphanet 145, MedGen C0677776, MeSH D061325, MONDO:0003582. Disease mechanism: loss of function.

Submissions (2):

Labcorp Genetics (formerly Invitae), Labcorp
Classification: Likely benign for Hereditary breast ovarian cancer syndrome. Last evaluated: 2022-09-16. Review status: criteria provided, single submitter. Criteria: Invitae Variant Classification Sherloc (09022015). Collection method: clinical testing. Allele origin: germline.

Brotman Baty Institute, University of Washington
No classification provided (evidence only). Condition: Breast-ovarian cancer, familial 1. Review status: no classification provided. Collection method: in vitro. Allele origin: not applicable. Functional consequence: functionally_normal. Not counted in ClinVar's aggregate classification.
ClinVar note: "not provided" was previously submitted as the classification for the variant. However, the classification appeared to be based only on an observation of functional data so it was converted to no classification on 2025-07-30.

NM_007294.4(BRCA1):c.134+9G>A

Gene: BRCA1 (BRCA1 DNA repair associated; minus strand). Cytogenetic location: 17q21.31.
Variant type: single nucleotide variant.
Coding change: c.134+9G>A on transcript NM_007294.4 (MANE Select); 9 bases into the intron after coding-DNA position 134, G replaced by A.
Molecular consequence: intron variant.
Genome position (GRCh38, 1-based): chr17:43,115,717, C>T on the plus strand (G>A on the coding strand, the complement: BRCA1 is on the minus strand). VCF-style: chr17-43115717-C-T. GRCh37 (hg19) VCF-style: chr17-41267734-C-T.
Other names: c.-55+9G>A (NM_001407958.1, NM_001407955.1, NM_001408493.1 and 52 more transcripts); c.134+9G>A (NM_001407646.1, NM_001408445.1, NM_001408432.1 and 191 more transcripts); c.-286+9G>A (NM_001407965.1); c.-124+9G>A (NM_001407930.1, NM_001407843.1, NM_001408456.1 and 13 more transcripts); c.-128+9G>A (NM_001408465.1, NM_001407695.1); c.-8+9G>A (NM_001407920.1, NM_001408504.1, NM_001408463.1 and 47 more transcripts); c.-8+5841G>A (NM_001407751.1, NM_001407726.1); c.-171+9G>A (NM_001407900.1, NM_001408492.1, NM_001407889.1); and 10 more.
Identifiers: ClinVar variation 760124 (VCV000760124.14), dbSNP rs1555599187, ClinGen allele CA915950077.
Genomic context (GRCh38, chr17:43,115,717, plus strand): 5'-GTGTTTCCTGGGTTATGAAGGACAAAAACAAAAGCTAATAATGGAGCCACATAACACATT[C>T]AAACTTACTTGCAAAATATGTGGTCACACTTTGTGGAGACAGGTTCCTTGATCAACTCCA-3'